The following is an entry in ClinVar:

NM_004958.4(MTOR):c.5133C>T (p.Ile1711=)

Gene: MTOR (mechanistic target of rapamycin kinase; minus strand). Cytogenetic location: 1p36.22.
Variant type: single nucleotide variant.
Coding change: c.5133C>T on transcript NM_004958.4 (MANE Select); coding-DNA position 5133, C replaced by T.
Protein change: p.Ile1711=; no amino-acid change (isoleucine 1711 retained).
Molecular consequence: synonymous variant.
Genome position (GRCh38, 1-based): chr1:11,134,464, G>A on the plus strand (C>T on the coding strand, the complement: MTOR is on the minus strand). VCF-style: chr1-11134464-G-A. GRCh37 (hg19) VCF-style: chr1-11194521-G-A.
Identifiers: ClinVar variation 698720 (VCV000698720.36), dbSNP rs769706061, ClinGen allele CA589430.

ClinVar aggregate classification (germline): Benign/Likely benign. Review status: criteria provided, multiple submitters, no conflicts (2 of 4 stars). 5 submissions from 5 submitters: Benign (2); Likely benign (2). 1 of the submissions does not count toward it. Last evaluated 2025-11-17.

Conditions:
MTOR-related disorder. Also called: MTOR-related condition.

Allele frequency attached by ClinVar (database versions not stated): gnomAD 0.00002 and 0.00008; TOPMed 0.00003; ExAC 0.00029; gnomAD exomes 0.00033.
gnomAD v4.1: 350 of 1,613,914 alleles (0.022%); highest among the groups gnomAD compares: South Asian, 0.26%; 4 homozygotes.

Submissions (5):

Labcorp Genetics (formerly Invitae), Labcorp
Classification: Benign. Last evaluated: 2025-11-17. Review status: criteria provided, single submitter. Criteria: Invitae Variant Classification Sherloc (09022015). Collection method: clinical testing. Allele origin: germline.

CeGaT Center for Human Genetics Tuebingen
Classification: Likely benign. Last evaluated: 2024-08-01. Review status: criteria provided, single submitter. Criteria: CeGaT Center For Human Genetics Tuebingen Variant Classification Criteria Version 2. Collection method: clinical testing. Allele origin: germline. Affected: yes. Observed: 3 variant alleles.
Comment: MTOR: BP4, BP7, BS1

Blueprint Genetics
Classification: Likely benign. Last evaluated: 2024-06-28. Review status: criteria provided, single submitter. Criteria: ACMG Guidelines, 2015. Collection method: clinical testing. Allele origin: germline.

GeneDx
Classification: Benign. Last evaluated: 2021-07-15. Review status: criteria provided, single submitter. Criteria: GeneDx Variant Classification Process June 2021. Collection method: clinical testing. Allele origin: germline. Affected: yes.
Comment: See Variant Classification Assertion Criteria.

PreventionGenetics, part of Exact Sciences
Classification: Likely benign for MTOR-related condition. Last evaluated: 2020-10-12. Review status: no assertion criteria provided. Collection method: clinical testing. Allele origin: germline. Not counted in ClinVar's aggregate classification.
Comment: This variant is classified as likely benign based on ACMG/AMP sequence variant interpretation guidelines (Richards et al. 2015 PMID: 25741868, with internal and published modifications).